The following is an entry in ClinVar:

NM_001122752.2(SERPINI1):c.523G>A (p.Ala175Thr)

Gene: SERPINI1 (serpin family I member 1; plus strand). Cytogenetic location: 3q26.1.
Variant type: single nucleotide variant.
Coding change: c.523G>A on transcript NM_001122752.2 (MANE Select); coding-DNA position 523, G replaced by A.
Protein change: p.Ala175Thr; replaces alanine 175 with threonine.
Molecular consequence: missense variant.
Genome position (GRCh38, 1-based): chr3:167,792,631, G>A. VCF-style: chr3-167792631-G-A. GRCh37 (hg19) VCF-style: chr3-167510419-G-A.
Other names: c.523G>A, p.Ala175Thr (NM_005025.5); short protein forms A175T.
Identifiers: ClinVar variation 4695196 (VCV004695196.1).

ClinVar aggregate classification (germline): Uncertain significance (1 of 4 stars; one submission).

Conditions:
Familial encephalopathy with neuroserpin inclusion bodies. Also called: ENCEPHALOPATHY, FAMILIAL, WITH COLLINS BODIES. Identifiers: Orphanet 85110, MedGen C1858680, MONDO:0011412, OMIM 604218.

gnomAD v4.1: 2 of 1,613,612 alleles (0.00012%); highest among the groups gnomAD compares: Non-Finnish European, 0.000085%; no homozygotes.

Submission:

Labcorp Genetics (formerly Invitae), Labcorp
Classification: Uncertain significance for Familial encephalopathy with neuroserpin inclusion bodies. Last evaluated: 2025-10-01. Review status: criteria provided, single submitter. Criteria: Invitae Variant Classification Sherloc (09022015). Collection method: clinical testing. Allele origin: germline.
Comment: This sequence change replaces alanine, which is neutral and non-polar, with threonine, which is neutral and polar, at codon 175 of the SERPINI1 protein (p.Ala175Thr). This variant is not present in population databases (gnomAD no frequency). This variant has not been reported in the literature in individuals affected with SERPINI1-related conditions. Invitae Evidence Modeling of protein sequence and biophysical properties (such as structural, functional, and spatial information, amino acid conservation, physicochemical variation, residue mobility, and thermodynamic stability) indicates that this missense variant is not expected to disrupt SERPINI1 protein function with a negative predictive value of 80%. In summary, the available evidence is currently insufficient to determine the role of this variant in disease. Therefore, it has been classified as a Variant of Uncertain Significance.